The following is an entry in ClinVar:

ClinVar aggregate classification (germline): Uncertain significance (1 of 4 stars; one submission).

Conditions:
Inborn genetic diseases. Identifiers: MedGen C0950123, MeSH D030342.

Submission:

Ambry Genetics
Classification: Uncertain significance for Inborn genetic diseases. Last evaluated: 2024-10-21. Review status: criteria provided, single submitter. Criteria: Ambry Variant Classification Scheme 2023. Collection method: clinical testing. Allele origin: germline.
Comment: The p.Y1850C variant (also known as c.5549A>G), located in coding exon 32 of the ATR gene, results from an A to G substitution at nucleotide position 5549. The tyrosine at codon 1850 is replaced by cysteine, an amino acid with highly dissimilar properties. This amino acid position is conserved. In addition, the in silico prediction for this alteration is inconclusive. Based on the available evidence, the clinical significance of this variant remains unclear.

NM_001184.4(ATR):c.5549A>G (p.Tyr1850Cys)

Gene: ATR (ATR serine/threonine kinase; minus strand). Cytogenetic location: 3q23.
Variant type: single nucleotide variant.
Coding change: c.5549A>G on transcript NM_001184.4 (MANE Select); coding-DNA position 5549, A replaced by G.
Protein change: p.Tyr1850Cys; replaces tyrosine 1850 with cysteine.
Molecular consequence: missense variant.
Genome position (GRCh38, 1-based): chr3:142,498,606, T>C on the plus strand (A>G on the coding strand, the complement: ATR is on the minus strand). VCF-style: chr3-142498606-T-C. GRCh37 (hg19) VCF-style: chr3-142217448-T-C.
Other names: c.5357A>G, p.Tyr1786Cys (NM_001354579.2); short protein forms Y1850C, Y1786C.
Identifiers: ClinVar variation 3460963 (VCV003460963.1).